The following is an entry in ClinVar:

ClinVar aggregate classification (germline): Uncertain significance (1 of 4 stars; one submission).

Conditions:
Familial hypokalemia-hypomagnesemia (GTLMNS). Also called: gitelman syndrome; HYPOMAGNESEMIA-HYPOKALEMIA, PRIMARY RENOTUBULAR, WITH HYPOCALCIURIA; POTASSIUM AND MAGNESIUM DEPLETION. Identifiers: Orphanet 358, MedGen C0268450, MONDO:0009904, OMIM 263800.

Submission:

Nephrology, University of Crete, University General Hospital of Heraklion
Classification: Uncertain significance for Familial hypokalemia-hypomagnesemia. Last evaluated: 2025-11-05. Review status: criteria provided, single submitter. Criteria: ACMG Guidelines, 2015. Collection method: clinical testing. Allele origin: unknown. Affected: yes.

NM_001126108.2(SLC12A3):c.716C>T (p.Ala239Val)

Gene: SLC12A3 (solute carrier family 12 member 3; plus strand). Cytogenetic location: 16q13.
Variant type: single nucleotide variant.
Coding change: c.716C>T on transcript NM_001126108.2 (MANE Select); coding-DNA position 716, C replaced by T.
Protein change: p.Ala239Val; replaces alanine 239 with valine.
Molecular consequence: missense variant.
Genome position (GRCh38, 1-based): chr16:56,870,210, C>T. VCF-style: chr16-56870210-C-T. GRCh37 (hg19) VCF-style: chr16-56904122-C-T.
Other names: c.716C>T, p.Ala239Val (NM_000339.3); c.713C>T, p.Ala238Val (NM_001126107.2, NM_001410896.1); short protein forms A238V, A239V.
Identifiers: ClinVar variation 4533351 (VCV004533351.1).